The following is an entry in ClinVar:

NM_001365693.1(MGAM):c.7608-8C>T

Gene: MGAM (maltase-glucoamylase; plus strand). Cytogenetic location: 7q34.
Variant type: single nucleotide variant.
Coding change: c.7608-8C>T on transcript NM_001365693.1 (MANE Select); 8 bases into the intron before coding-DNA position 7608, C replaced by T.
Molecular consequence: intron variant.
Genome position (GRCh38, 1-based): chr7:142,096,323, C>T. VCF-style: chr7-142096323-C-T. GRCh37 (hg19) VCF-style: chr7-141796123-C-T.
Other names: c.4920-8C>T (NM_004668.3).
Identifiers: ClinVar variation 3050088 (VCV003050088.2), dbSNP rs751851860, ClinGen allele CA168439865.

ClinVar aggregate classification (germline): Likely benign (0 of 4 stars; one submission).

Conditions:
MGAM-related disorder. Also called: MGAM-related condition.

Allele frequency attached by ClinVar (database versions not stated): ExAC 0.00003.

Submission:

PreventionGenetics, part of Exact Sciences
Classification: Likely benign for MGAM-related condition. Last evaluated: 2022-04-20. Review status: no assertion criteria provided. Collection method: clinical testing. Allele origin: germline.
Comment: This variant is classified as likely benign based on ACMG/AMP sequence variant interpretation guidelines (Richards et al. 2015 PMID: 25741868, with internal and published modifications).